The following is an entry in ClinVar:

ClinVar aggregate classification (germline): Pathogenic. Review status: reviewed by expert panel (3 of 4 stars). 3 submissions from 3 submitters: Pathogenic (1). 2 of the submissions do not count toward it. Last evaluated 2016-09-08.

Conditions:
Hereditary breast ovarian cancer syndrome. Also called: Breast and ovarian cancer; Hereditary breast and ovarian cancer; Hereditary breast and ovarian cancer syndrome; BRCA1- and BRCA2-Associated Hereditary Breast and Ovarian Cancer; Hereditary breast and ovarian cancer syndrome (HBOC); Hereditary breast and/or ovarian cancer syndrome. Identifiers: Orphanet 145, MedGen C0677776, MeSH D061325, MONDO:0003582. Disease mechanism: loss of function.
Breast-ovarian cancer, familial, susceptibility to, 2 (BROVCA2). Also called: BRCA2 Hereditary Breast and Ovarian Cancer. Identifiers: Orphanet 145, MedGen C2675520, MONDO:0012933, OMIM 612555. Disease mechanism: loss of function.

Submissions (3):

Evidence-based Network for the Interpretation of Germline Mutant Alleles (ENIGMA)
Classification: Pathogenic for Breast-ovarian cancer, familial, susceptibility to, 2. Last evaluated: 2016-09-08. Review status: reviewed by expert panel. Criteria: ENIGMA BRCA1/2 Classification Criteria (2015). Collection method: curation. Allele origin: germline.
Comment: Variant allele predicted to encode a truncated non-functional protein.

Labcorp Genetics (formerly Invitae), Labcorp
Classification: Pathogenic for Hereditary breast ovarian cancer syndrome. Last evaluated: 2023-09-24. Review status: criteria provided, single submitter. Criteria: Invitae Variant Classification Sherloc (09022015). Collection method: clinical testing. Allele origin: germline. Not counted in ClinVar's aggregate classification.
Comment: For these reasons, this variant has been classified as Pathogenic. This variant disrupts a region of the BRCA2 protein in which other variant(s) (p.Tyr3308*) have been determined to be pathogenic (PMID: 18593900, 18607349). This suggests that this is a clinically significant region of the protein, and that variants that disrupt it are likely to be disease-causing. ClinVar contains an entry for this variant (Variation ID: 91535). This variant has not been reported in the literature in individuals affected with BRCA2-related conditions. This variant is not present in population databases (gnomAD no frequency). This sequence change creates a premature translational stop signal (p.Ser3275Ilefs*38) in the BRCA2 gene. While this is not anticipated to result in nonsense mediated decay, it is expected to disrupt the last 144 amino acid(s) of the BRCA2 protein.

Sharing Clinical Reports Project (SCRP)
Classification: Pathogenic for Breast-ovarian cancer, familial 2. Last evaluated: 2006-12-08. Review status: no assertion criteria provided. Collection method: clinical testing. Allele origin: germline. Not counted in ClinVar's aggregate classification.

Literature cited by the submitters: PubMed 18593900 (cited by Labcorp Genetics (formerly Invitae), Labcorp); PubMed 18607349 (cited by Labcorp Genetics (formerly Invitae), Labcorp).

NM_000059.4(BRCA2):c.9824del (p.Ser3275fs)

Gene: BRCA2 (BRCA2 DNA repair associated; plus strand). Cytogenetic location: 13q13.1.
Variant type: Deletion.
Coding change: c.9824del on transcript NM_000059.4 (MANE Select); coding-DNA position 9824, one base deleted (G; older notation c.9824delG).
Protein change: p.Ser3275fs; shifts the reading frame from serine 3275.
Molecular consequence: frameshift variant.
Genome position (GRCh38, 1-based): chr13:32,398,337, G deleted. VCF-style (leftmost placement, unchanged base first): chr13-32398336-AG-A. GRCh37 (hg19) VCF-style: chr13-32972473-AG-A.
Other names: 10052delG; c.9824delG (NM_000059.3); short protein forms S3275fs.
Identifiers: ClinVar variation 91535 (VCV000091535.5), dbSNP rs398122623, ClinGen allele CA026307.